The following is an entry in ClinVar:

NM_198282.4(STING1):c.532C>T (p.Arg178Trp)

Gene: STING1 (stimulator of interferon response cGAMP interactor 1; minus strand). Cytogenetic location: 5q31.2.
Variant type: single nucleotide variant.
Coding change: c.532C>T on transcript NM_198282.4 (MANE Select); coding-DNA position 532, C replaced by T.
Protein change: p.Arg178Trp; replaces arginine 178 with tryptophan.
Molecular consequence: missense variant.
Genome position (GRCh38, 1-based): chr5:139,478,497, G>A on the plus strand (C>T on the coding strand, the complement: STING1 is on the minus strand). VCF-style: chr5-139478497-G-A. GRCh37 (hg19) VCF-style: chr5-138858082-G-A.
Other names: c.532C>T, p.Arg178Trp (NM_001301738.2, LRG_1308t1); c.175C>T, p.Arg59Trp (NM_001367258.1); c.532C>T (NM_198282.2); short protein forms R178W, R59W.
Identifiers: ClinVar variation 475206 (VCV000475206.32), dbSNP rs1240603758, ClinGen allele CA361480348.

ClinVar aggregate classification (germline): Uncertain significance. Review status: criteria provided, multiple submitters, no conflicts (2 of 4 stars). 3 submissions from 3 submitters: Uncertain significance (3). Last evaluated 2025-11-08.

Conditions:
Inborn genetic diseases. Identifiers: MedGen C0950123, MeSH D030342.
STING-associated vasculopathy with onset in infancy. Also called: Sting-associated vasculopathy, infantile-onset. Identifiers: Orphanet 425120, MedGen C4014722, MONDO:0014405, OMIM 615934.

Allele frequency attached by ClinVar (database versions not stated): gnomAD exomes below 0.00001; TOPMed below 0.00001; gnomAD 0.00001.
gnomAD v4.1: 11 of 1,613,818 alleles (0.00068%); highest among the groups gnomAD compares: Admixed American, 0.0067%; no homozygotes.

Submissions (3):

Ambry Genetics
Classification: Uncertain significance for Inborn genetic diseases. Last evaluated: 2025-11-08. Review status: criteria provided, single submitter. Criteria: Ambry Variant Classification Scheme 2023. Collection method: clinical testing. Allele origin: germline.

Labcorp Genetics (formerly Invitae), Labcorp
Classification: Uncertain significance for STING-associated vasculopathy with onset in infancy. Last evaluated: 2025-06-03. Review status: criteria provided, single submitter. Criteria: Invitae Variant Classification Sherloc (09022015). Collection method: clinical testing. Allele origin: germline.
Comment: This sequence change replaces arginine, which is basic and polar, with tryptophan, which is neutral and slightly polar, at codon 178 of the TMEM173 protein (p.Arg178Trp). This variant is present in population databases (no rsID available, gnomAD 0.0009%). This variant has not been reported in the literature in individuals affected with TMEM173-related conditions. ClinVar contains an entry for this variant (Variation ID: 475206). Invitae Evidence Modeling of protein sequence and biophysical properties (such as structural, functional, and spatial information, amino acid conservation, physicochemical variation, residue mobility, and thermodynamic stability) indicates that this missense variant is expected to disrupt TMEM173 protein function with a positive predictive value of 80%. In summary, the available evidence is currently insufficient to determine the role of this variant in disease. Therefore, it has been classified as a Variant of Uncertain Significance.

CeGaT Center for Human Genetics Tuebingen
Classification: Uncertain significance. Last evaluated: 2022-05-01. Review status: criteria provided, single submitter. Criteria: CeGaT Center For Human Genetics Tuebingen Variant Classification Criteria Version 2. Collection method: clinical testing. Allele origin: germline. Affected: yes. Observed: 1 variant allele.